The following is an entry in ClinVar:

ClinVar aggregate classification (germline): Benign/Likely benign. Review status: criteria provided, multiple submitters, no conflicts (2 of 4 stars). 3 submissions from 3 submitters: Benign (1); Likely benign (2). Last evaluated 2026-08-03.

Conditions:
Familial colorectal cancer type X. Identifiers: Orphanet 440437, MedGen C3896578, MONDO:0018604.

Allele frequency attached by ClinVar (database versions not stated): gnomAD exomes below 0.00001; TOPMed below 0.00001.
gnomAD v4.1: 1 of 1,613,722 alleles (0.000062%); highest among the groups gnomAD compares: Admixed American, 0.0017%; no homozygotes.

Submissions (3):

Myriad Genetics, Inc.
Classification: Benign for Familial colorectal cancer type X. Last evaluated: 2026-08-03. Review status: criteria provided, single submitter. Criteria: Myriad Autosomal Dominant, Autosomal Recessive and X-Linked Classification Criteria (2023). Collection method: clinical testing. Allele origin: unknown.
Comment: This variant is considered benign. This variant is a silent/synonymous amino acid change and it is not expected to impact splicing.

Labcorp Genetics (formerly Invitae), Labcorp
Classification: Likely benign. Last evaluated: 2025-11-26. Review status: criteria provided, single submitter. Criteria: Invitae Variant Classification Sherloc (09022015). Collection method: clinical testing. Allele origin: germline.

Ambry Genetics
Classification: Likely benign. Last evaluated: 2021-04-23. Review status: criteria provided, single submitter. Criteria: Ambry Variant Classification Scheme 2023. Collection method: clinical testing. Allele origin: germline.

NM_001023.4(RPS20):c.39G>A (p.Pro13=)

Gene: RPS20 (ribosomal protein S20; minus strand). Cytogenetic location: 8q12.1.
Variant type: single nucleotide variant.
Coding change: c.39G>A on transcript NM_001023.4 (MANE Select); coding-DNA position 39, G replaced by A.
Protein change: p.Pro13=; no amino-acid change (proline 13 retained).
Molecular consequence: synonymous variant.
Genome position (GRCh38, 1-based): chr8:56,074,124, C>T on the plus strand (G>A on the coding strand, the complement: RPS20 is on the minus strand). VCF-style: chr8-56074124-C-T. GRCh37 (hg19) VCF-style: chr8-56986683-C-T.
Other names: c.39G>A, p.Pro13= (NM_001146227.3).
Identifiers: ClinVar variation 1736865 (VCV001736865.4), dbSNP rs1215073060, ClinGen allele CA461101654.